The following is an entry in ClinVar:

ClinVar aggregate classification (germline): Pathogenic/Likely pathogenic. Review status: criteria provided, multiple submitters, no conflicts (2 of 4 stars). 2 submissions from 2 submitters: Pathogenic (1); Likely pathogenic (1). Last evaluated 2025-12-11.

Conditions:
Waardenburg syndrome type 1 (WS1). Also called: WAARDENBURG SYNDROME WITH DYSTOPIA CANTHORUM; Waardenburg Syndrome Type I. Identifiers: Orphanet 894, MedGen C1847800, MONDO:0008670, OMIM 193500.

Submissions (2):

Labcorp Genetics (formerly Invitae), Labcorp
Classification: Pathogenic. Last evaluated: 2025-12-11. Review status: criteria provided, single submitter. Criteria: Invitae Variant Classification Sherloc (09022015). Collection method: clinical testing. Allele origin: germline.
Comment: This sequence change creates a premature translational stop signal (p.Tyr366Leufs*44) in the PAX3 gene. While this is not anticipated to result in nonsense mediated decay, it is expected to disrupt the last 114 amino acid(s) of the PAX3 protein. This variant is not present in population databases (gnomAD no frequency). This variant has not been reported in the literature in individuals affected with PAX3-related conditions. This variant disrupts a region of the PAX3 protein in which other variant(s) (p.Gln405Argfs*29) have been determined to be pathogenic (PMID: 9654197, 20127975, 27978878, 30394532; internal data). This suggests that this is a clinically significant region of the protein, and that variants that disrupt it are likely to be disease-causing. For these reasons, this variant has been classified as Pathogenic.

Variantyx, Inc.
Classification: Likely pathogenic for Waardenburg syndrome type 1. Last evaluated: 2025-11-26. Review status: criteria provided, single submitter. Criteria: Variantyx Assertion Criteria 2022. Collection method: clinical testing. Allele origin: germline. Inheritance: Autosomal dominant inheritance. Affected: yes.
Comment: This is a frameshift variant in the PAX3 gene (OMIM: 606597). Pathogenic variants in this gene have been associated with autosomal dominant Waardenburg syndrome type 1. This variant introduces a premature termination codon in exon 7 out of 9 and is expected to result in loss of function, which is a known disease mechanism for PAX3 in this disorder (PMID: 23512835) (PVS1). This variant is absent from control populations (PM2), and it has not been reported in individuals with PAX3-related disorders in the databases available for review. Based on the current evidence, this variant is classified as likely pathogenic for autosomal dominant Waardenburg syndrome type 1.

Literature cited by the submitters: PubMed 9654197 (cited by Labcorp Genetics (formerly Invitae), Labcorp); PubMed 20127975 (cited by Labcorp Genetics (formerly Invitae), Labcorp and Variantyx, Inc.); PubMed 27978878 (cited by Labcorp Genetics (formerly Invitae), Labcorp); PubMed 30394532 (cited by Labcorp Genetics (formerly Invitae), Labcorp); PubMed 23512835 (cited by Variantyx, Inc.).

NM_181458.4(PAX3):c.1096dup (p.Tyr366fs)

Genes: PAX3 (paired box 3; minus strand), LOC126806529 (CDK7 strongly-dependent group 2 enhancer GRCh37_chr2:223084735-223085934; plus strand). Cytogenetic location: 2q36.1.
Variant type: Duplication.
Coding change: c.1096dup on transcript NM_181458.4 (MANE Select); coding-DNA position 1096, one base duplicated (T; older notation c.1096dupT).
Protein change: p.Tyr366fs; shifts the reading frame from tyrosine 366.
Molecular consequence: frameshift variant.
Genome position (GRCh38, 1-based): chr2:222,220,217, A duplicated on the plus strand (T on the coding strand, the reverse complement: PAX3 is on the minus strand). VCF-style (leftmost placement, unchanged base first): chr2-222220216-T-TA. GRCh37 (hg19) VCF-style: chr2-223084935-T-TA.
Other names: c.1093dup, p.Tyr365fs (NM_001127366.3); c.1096dup, p.Tyr366fs (NM_181457.4, NM_181459.4, NM_181460.4 and 1 more transcripts); short protein forms Y366fs, Y365fs.
Identifiers: ClinVar variation 4733026 (VCV004733026.2).